The following is an entry in ClinVar:

NM_024675.4(PALB2):c.2616G>T (p.Val872=)

Gene: PALB2 (partner and localizer of BRCA2; minus strand). Cytogenetic location: 16p12.2.
Variant type: single nucleotide variant.
Coding change: c.2616G>T on transcript NM_024675.4 (MANE Select); coding-DNA position 2616, G replaced by T.
Protein change: p.Val872=; no amino-acid change (valine 872 retained).
Molecular consequence: synonymous variant.
Genome position (GRCh38, 1-based): chr16:23,626,368, C>A on the plus strand (G>T on the coding strand, the complement: PALB2 is on the minus strand). VCF-style: chr16-23626368-C-A. GRCh37 (hg19) VCF-style: chr16-23637689-C-A.
Identifiers: ClinVar variation 632931 (VCV000632931.22), dbSNP rs1567215519, ClinGen allele CA494161299.

ClinVar aggregate classification (germline): Conflicting classifications of pathogenicity. Review status: criteria provided, conflicting classifications (1 of 4 stars). 6 submissions from 6 submitters: Uncertain significance (2); Benign (1); Likely benign (3). Last evaluated 2025-01-17.

Conditions:
Hereditary cancer-predisposing syndrome. Also called: Tumor predisposition; Neoplastic Syndromes, Hereditary; Hereditary neoplastic syndrome; Hereditary Cancer Syndrome. Identifiers: Orphanet 140162, MedGen C0027672, MeSH D009386, MONDO:0015356.
Familial cancer of breast. Also called: hereditary breast carcinoma; BREAST CANCER, FAMILIAL; Hereditary breast cancer. Identifiers: Orphanet 227535, MedGen C0346153, MONDO:0016419, OMIM 114480. Disease mechanism: loss of function.

Allele frequency attached by ClinVar (database versions not stated): gnomAD exomes below 0.00001.
gnomAD v4.1: 2 of 1,614,184 alleles (0.00012%); highest among the groups gnomAD compares: Non-Finnish European, 0.00017%; no homozygotes.

Submissions (6):

Myriad Genetics, Inc.
Classification: Benign for Familial cancer of breast. Last evaluated: 2025-01-17. Review status: criteria provided, single submitter. Criteria: Myriad Autosomal Dominant, Autosomal Recessive and X-Linked Classification Criteria (2023). Collection method: clinical testing. Allele origin: unknown.
Comment: This variant is considered benign. This variant is a silent/synonymous amino acid change and it is not expected to impact splicing.

Labcorp Genetics (formerly Invitae), Labcorp
Classification: Likely benign for Familial cancer of breast. Last evaluated: 2024-12-12. Review status: criteria provided, single submitter. Criteria: Invitae Variant Classification Sherloc (09022015). Collection method: clinical testing. Allele origin: germline.

GeneDx
Classification: Uncertain significance. Last evaluated: 2023-01-25. Review status: criteria provided, single submitter. Criteria: GeneDx Variant Classification Process June 2021. Collection method: clinical testing. Allele origin: germline. Affected: yes.
Comment: Not observed at significant frequency in large population cohorts (gnomAD); Has not been previously published as pathogenic or benign to our knowledge; In silico analysis is inconclusive as to whether the variant alters gene splicing. In the absence of RNA/functional studies, the actual effect of this sequence change is unknown.; This variant is associated with the following publications: (PMID: 22980975)

Ambry Genetics
Classification: Likely benign for Hereditary cancer-predisposing syndrome. Last evaluated: 2019-12-22. Review status: criteria provided, single submitter. Criteria: Ambry Variant Classification Scheme 2023. Collection method: clinical testing. Allele origin: germline.

Women's Health and Genetics/Laboratory Corporation of America, LabCorp
Classification: Likely benign. Last evaluated: 2019-08-29. Review status: criteria provided, single submitter. Criteria: LabCorp Variant Classification Summary - May 2015. Collection method: clinical testing. Allele origin: germline.

Quest Diagnostics Nichols Institute San Juan Capistrano
Classification: Uncertain significance. Last evaluated: 2019-07-04. Review status: criteria provided, single submitter. Criteria: Quest Diagnostics criteria. Collection method: clinical testing. Allele origin: germline.

Literature cited by the submitters: PubMed 22980975 (cited by Quest Diagnostics Nichols Institute San Juan Capistrano).